The following is an entry in ClinVar:

ClinVar aggregate classification (germline): Uncertain significance (1 of 4 stars; one submission).

Submission:

Laboratory for Molecular Medicine, Mass General Brigham Personalized Medicine
Classification: Uncertain significance. Last evaluated: 2017-07-27. Review status: criteria provided, single submitter. Criteria: LMM Criteria. Collection method: clinical testing. Allele origin: germline. Observed: 2 variant alleles.
Comment: Variant classified as Uncertain Significance - Favor Pathogenic. The p.Pro4413Arg ha s not been identified in large population studies. Computational prediction tool s and conservation analyses suggest that this variant may impact the protein, th ough this information is not predictive enough to determine pathogenicity. In su mmary, while there is some suspicion of a pathogenic role, the clinical signific ance of the p.Pro4413Arg variant is uncertain.

NM_206933.4(USH2A):c.13238C>G (p.Pro4413Arg)

Gene: USH2A (usherin; minus strand). Cytogenetic location: 1q41.
Variant type: single nucleotide variant.
Coding change: c.13238C>G on transcript NM_206933.4 (MANE Select); coding-DNA position 13238, C replaced by G.
Protein change: p.Pro4413Arg; replaces proline 4413 with arginine.
Molecular consequence: missense variant.
Genome position (GRCh38, 1-based): chr1:215,674,673, G>C on the plus strand (C>G on the coding strand, the complement: USH2A is on the minus strand). VCF-style: chr1-215674673-G-C. GRCh37 (hg19) VCF-style: chr1-215848015-G-C.
Other names: short protein forms P4413R.
Identifiers: ClinVar variation 517376 (VCV000517376.5), dbSNP rs1553252404, ClinGen allele CA344846055.
Genomic context (GRCh38, chr1:215,674,673, plus strand): 5'-ACACTAGCTGTGCAACCTCCATTCGTGCAGGCTACAAGGGAGAAGTTATACTGAGAGTAA[G>C]GCTGCAGGTGGGAAACCAGCAGGCACAGGCCCTGGCCAGCAAGGGACTCTTTATTATCAT-3'
Protein context (NP_996816.3, residues 4403-4423): GLCLLVSHLQ[Pro4413Arg]YSQYNFSLVA